The following is an entry in ClinVar:

ClinVar aggregate classification (germline): Likely benign. Review status: criteria provided, multiple submitters, no conflicts (2 of 4 stars). 5 submissions from 5 submitters: Likely benign (5). Last evaluated 2026-01-15.

Conditions:
RYR1-related disorder. Also called: RYR1-related disorders; RYR1-related condition. Identifiers: MedGen CN239331.
Malignant hyperthermia, susceptibility to, 1 (MHS1). Also called: Anesthesia related hyperthermia; Malignant hyperpyrexia; Fulminating hyperpyrexia; Pharmacogenic myopathy; RYR1-Related Malignant Hyperthermia Susceptibility; Malignant hyperthermia suceptibility 1. Identifiers: Orphanet 423, MedGen C2930980, MONDO:0007783, OMIM 145600.

Allele frequency attached by ClinVar (database versions not stated): ESP Exome Variant Server 0.00008; TOPMed 0.00008; ExAC 0.00010; gnomAD exomes 0.00012 and 0.00024; gnomAD 0.00014.
gnomAD v4.1: 389 of 1,613,824 alleles (0.024%); highest among the groups gnomAD compares: East Asian, 0.2%; no homozygotes.

Submissions (5):

Labcorp Genetics (formerly Invitae), Labcorp
Classification: Likely benign for RYR1-related disorder. Last evaluated: 2026-01-15. Review status: criteria provided, single submitter. Criteria: Invitae Variant Classification Sherloc (09022015). Collection method: clinical testing. Allele origin: germline.

Blueprint Genetics
Classification: Likely benign. Last evaluated: 2024-11-21. Review status: criteria provided, single submitter. Criteria: ACMG Guidelines, 2015. Collection method: clinical testing. Allele origin: germline.

CeGaT Center for Human Genetics Tuebingen
Classification: Likely benign. Last evaluated: 2024-07-01. Review status: criteria provided, single submitter. Criteria: CeGaT Center For Human Genetics Tuebingen Variant Classification Criteria Version 2. Collection method: clinical testing. Allele origin: germline. Affected: yes. Observed: 2 variant alleles.
Comment: RYR1: BP4, BP7

GeneDx
Classification: Likely benign. Last evaluated: 2020-11-24. Review status: criteria provided, single submitter. Criteria: GeneDx Variant Classification Process June 2021. Collection method: clinical testing. Allele origin: germline. Affected: yes.

Color Diagnostics, LLC DBA Color Health
Classification: Likely benign for Malignant hyperthermia, susceptibility to, 1. Last evaluated: 2019-03-29. Review status: criteria provided, single submitter. Criteria: ACMG Guidelines, 2015. Collection method: clinical testing. Allele origin: germline.

NM_000540.3(RYR1):c.7362C>T (p.Arg2454=)

Gene: RYR1 (ryanodine receptor 1; plus strand). Cytogenetic location: 19q13.2.
Variant type: single nucleotide variant.
Coding change: c.7362C>T on transcript NM_000540.3 (MANE Select); coding-DNA position 7362, C replaced by T.
Protein change: p.Arg2454=; no amino-acid change (arginine 2454 retained).
Molecular consequence: synonymous variant.
Genome position (GRCh38, 1-based): chr19:38,500,644, C>T. VCF-style: chr19-38500644-C-T. GRCh37 (hg19) VCF-style: chr19-38991284-C-T.
Other names: c.7362C>T, p.Arg2454= (NM_001042723.2).
Identifiers: ClinVar variation 698212 (VCV000698212.38), dbSNP rs369428665, ClinGen allele CA069571.
Genomic context (GRCh38, chr19:38,500,644, plus strand): 5'-TCTCCCTCCCTCTACTCCCCAGCTAATCCAAGCCGGCAAGGGTGAGGCCCTGCGGATCCG[C>T]GCCATCCTCCGCTCCCTTGTGCCCTTGGAGGACCTTGTGGGCATCATCAGCCTCCCACTG-3'
Protein context (NP_000531.2, residues 2444-2464): QAGKGEALRI[Arg2454=]AILRSLVPLE